The following is an entry in ClinVar:

NM_005184.4(CALM3):c.215T>C (p.Met72Thr)

Gene: CALM3 (calmodulin 3; plus strand). Cytogenetic location: 19q13.32.
Variant type: single nucleotide variant.
Coding change: c.215T>C on transcript NM_005184.4 (MANE Select); coding-DNA position 215, T replaced by C.
Protein change: p.Met72Thr; replaces methionine 72 with threonine.
Molecular consequence: missense variant.
Genome position (GRCh38, 1-based): chr19:46,608,518, T>C. VCF-style: chr19-46608518-T-C. GRCh37 (hg19) VCF-style: chr19-47111775-T-C.
Other names: c.107T>C, p.Met36Thr (NM_001329921.1, NM_001329923.1, NM_001329924.2 and 2 more transcripts); c.215T>C, p.Met72Thr (NM_001329922.1); short protein forms M36T, M72T.
Identifiers: ClinVar variation 4083321 (VCV004083321.1).

ClinVar aggregate classification (germline): Uncertain significance (1 of 4 stars; one submission).

gnomAD v4.1: 1 of 1,614,116 alleles (0.000062%); highest among the groups gnomAD compares: Non-Finnish European, 0.000085%; no homozygotes.

Submission:

GeneDx
Classification: Uncertain significance. Last evaluated: 2025-03-14. Review status: criteria provided, single submitter. Criteria: GeneDx Variant Classification Process June 2021. Collection method: clinical testing. Allele origin: germline. Affected: yes.
Comment: Not observed at significant frequency in large population cohorts (gnomAD); In silico analysis supports that this missense variant has a deleterious effect on protein structure/function; Has not been previously published as pathogenic or benign to our knowledge